The following is an entry in ClinVar:

NM_001556.3(IKBKB):c.1238T>A (p.Ile413Asn)

Gene: IKBKB (inhibitor of nuclear factor kappa B kinase subunit beta; plus strand). Cytogenetic location: 8p11.21.
Variant type: single nucleotide variant.
Coding change: c.1238T>A on transcript NM_001556.3 (MANE Select); coding-DNA position 1238, T replaced by A.
Protein change: p.Ile413Asn; replaces isoleucine 413 with asparagine.
Molecular consequence: missense variant. On other transcripts: non-coding transcript variant (3).
Genome position (GRCh38, 1-based): chr8:42,317,769, T>A. VCF-style: chr8-42317769-T-A. GRCh37 (hg19) VCF-style: chr8-42175287-T-A.
Other names: c.1046T>A, p.Ile349Asn (NM_001190720.3); c.1061T>A, p.Ile354Asn (NM_001242778.2); short protein forms I354N, I413N, I349N.
Identifiers: ClinVar variation 666028 (VCV000666028.5), dbSNP rs1221917553, ClinGen allele CA371087508.

ClinVar aggregate classification (germline): Uncertain significance (1 of 4 stars; one submission).

Conditions:
Severe combined immunodeficiency due to IKK2 deficiency. Also called: Immunodeficiency 15; IMMUNODEFICIENCY 15B. Identifiers: Orphanet 397787, MedGen C4747743, MONDO:0014267, OMIM 615592.

Allele frequency attached by ClinVar (database versions not stated): TOPMed below 0.00001.

Submission:

Labcorp Genetics (formerly Invitae), Labcorp
Classification: Uncertain significance for Severe combined immunodeficiency due to IKK2 deficiency. Last evaluated: 2021-08-31. Review status: criteria provided, single submitter. Criteria: Invitae Variant Classification Sherloc (09022015). Collection method: clinical testing. Allele origin: germline.
Comment: This sequence change replaces isoleucine with asparagine at codon 413 of the IKBKB protein (p.Ile413Asn). The isoleucine residue is highly conserved and there is a large physicochemical difference between isoleucine and asparagine. This variant is not present in population databases (ExAC no frequency). This variant has not been reported in the literature in individuals affected with IKBKB-related conditions. Algorithms developed to predict the effect of missense changes on protein structure and function (SIFT, PolyPhen-2, Align-GVGD) all suggest that this variant is likely to be disruptive. In summary, the available evidence is currently insufficient to determine the role of this variant in disease. Therefore, it has been classified as a Variant of Uncertain Significance.